The following is an entry in ClinVar:

ClinVar aggregate classification (germline): Likely benign (0 of 4 stars; one submission).

Conditions:
TIMMDC1-related disorder. Also called: TIMMDC1-related condition.

Allele frequency attached by ClinVar (database versions not stated): ExAC 0.00002; TOPMed 0.00002; gnomAD 0.00003.
gnomAD v4.1: 120 of 1,614,078 alleles (0.0074%); highest among the groups gnomAD compares: Non-Finnish European, 0.01%; no homozygotes.

Submission:

PreventionGenetics, part of Exact Sciences
Classification: Likely benign for TIMMDC1-related condition. Last evaluated: 2019-07-18. Review status: no assertion criteria provided. Collection method: clinical testing. Allele origin: germline.
Comment: This variant is classified as likely benign based on ACMG/AMP sequence variant interpretation guidelines (Richards et al. 2015 PMID: 25741868, with internal and published modifications).

NM_016589.4(TIMMDC1):c.75C>G (p.Ala25=)

Gene: TIMMDC1 (translocase of inner mitochondrial membrane domain containing 1; plus strand). Cytogenetic location: 3q13.33.
Variant type: single nucleotide variant.
Coding change: c.75C>G on transcript NM_016589.4 (MANE Select); coding-DNA position 75, C replaced by G.
Protein change: p.Ala25=; no amino-acid change (alanine 25 retained).
Molecular consequence: synonymous variant.
Genome position (GRCh38, 1-based): chr3:119,498,808, C>G. VCF-style: chr3-119498808-C-G. GRCh37 (hg19) VCF-style: chr3-119217655-C-G.
Identifiers: ClinVar variation 3049569 (VCV003049569.2), dbSNP rs775801926, ClinGen allele CA2555105.